The following is an entry in ClinVar:

ClinVar aggregate classification (germline): Likely pathogenic (1 of 4 stars; one submission).

Submission:

Labcorp Genetics (formerly Invitae), Labcorp
Classification: Likely pathogenic. Last evaluated: 2024-02-08. Review status: criteria provided, single submitter. Criteria: Invitae Variant Classification Sherloc (09022015). Collection method: clinical testing. Allele origin: germline.
Comment: This sequence change replaces alanine, which is neutral and non-polar, with glutamic acid, which is acidic and polar, at codon 45 of the AUTS2 protein (p.Ala45Glu). This variant is not present in population databases (gnomAD no frequency). This missense change has been observed in individual(s) with clinical features of AUTS2-related conditions (Invitae). In at least one individual the variant was observed to be de novo. An algorithm developed to predict the effect of missense changes on protein structure and function (PolyPhen-2) suggests that this variant is likely to be tolerated. In summary, the currently available evidence indicates that the variant is pathogenic, but additional data are needed to prove that conclusively. Therefore, this variant has been classified as Likely Pathogenic.

NM_015570.4(AUTS2):c.134C>A (p.Ala45Glu)

Genes: AUTS2 (activator of transcription and developmental regulator AUTS2; plus strand), LOC129998550 (ATAC-STARR-seq lymphoblastoid silent region 18224; plus strand). Cytogenetic location: 7q11.22.
Variant type: single nucleotide variant.
Coding change: c.134C>A on transcript NM_015570.4 (MANE Select); coding-DNA position 134, C replaced by A.
Protein change: p.Ala45Glu; replaces alanine 45 with glutamic acid.
Molecular consequence: missense variant.
Genome position (GRCh38, 1-based): chr7:69,599,787, C>A. VCF-style: chr7-69599787-C-A. GRCh37 (hg19) VCF-style: chr7-69064773-C-A.
Other names: c.134C>A, p.Ala45Glu (NM_001127231.3, NM_001127232.3); short protein forms A45E.
Identifiers: ClinVar variation 2776592 (VCV002776592.3), dbSNP rs1041469078, ClinGen allele CA367702920.
Genomic context (GRCh38, chr7:69,599,787, plus strand): 5'-GCTCCCGGGGCGGGCTGGGGGCCGGCGCGGCCGGCGGCGGCGGGGCTGGCCGGACCCGGG[C>A]GCTCTCACTCGCCTCGTCGTCGGGCTCCGACAAGGAAGACAATGGGAAGCCCCCGTCCTC-3'
Protein context (NP_056385.1, residues 35-55): AGGGGAGRTR[Ala45Glu]LSLASSSGSD